The following is an entry in ClinVar:

NM_006270.5(RRAS):c.84G>C (p.Glu28Asp)

Gene: RRAS (RAS related; minus strand). Cytogenetic location: 19q13.33.
Variant type: single nucleotide variant.
Coding change: c.84G>C on transcript NM_006270.5 (MANE Select); coding-DNA position 84, G replaced by C.
Protein change: p.Glu28Asp; replaces glutamic acid 28 with aspartic acid.
Molecular consequence: missense variant.
Genome position (GRCh38, 1-based): chr19:49,640,015, C>G on the plus strand (G>C on the coding strand, the complement: RRAS is on the minus strand). VCF-style: chr19-49640015-C-G. GRCh37 (hg19) VCF-style: chr19-50143272-C-G.
Other names: short protein forms E28D.
Identifiers: ClinVar variation 2072335 (VCV002072335.4), dbSNP rs2513709614, ClinGen allele CA406849756.

ClinVar aggregate classification (germline): Uncertain significance (1 of 4 stars; one submission).

Conditions:
Noonan syndrome (NS). Also called: Noonan's syndrome. Identifiers: Orphanet 648, MedGen C0028326, MeSH D009634, MONDO:0018997. Disease mechanism: gain of function.

Allele frequency attached by ClinVar (database versions not stated): gnomAD exomes below 0.00001.
gnomAD v4.1: 1 of 1,570,256 alleles (0.000064%); highest among the groups gnomAD compares: Admixed American, 0.0018%; no homozygotes.

Submission:

Labcorp Genetics (formerly Invitae), Labcorp
Classification: Uncertain significance for Noonan syndrome. Last evaluated: 2023-06-29. Review status: criteria provided, single submitter. Criteria: Invitae Variant Classification Sherloc (09022015). Collection method: clinical testing. Allele origin: germline.
Comment: In summary, the available evidence is currently insufficient to determine the role of this variant in disease. Therefore, it has been classified as a Variant of Uncertain Significance. An algorithm developed to predict the effect of missense changes on protein structure and function (PolyPhen-2) suggests that this variant is likely to be disruptive. This sequence change replaces glutamic acid, which is acidic and polar, with aspartic acid, which is acidic and polar, at codon 28 of the RRAS protein (p.Glu28Asp). This variant is not present in population databases (gnomAD no frequency). This variant has not been reported in the literature in individuals affected with RRAS-related conditions. ClinVar contains an entry for this variant (Variation ID: 2072335).